The following is an entry in ClinVar:

NM_001267550.2(TTN):c.18802G>C (p.Glu6268Gln)

Genes: TTN (titin; minus strand), LOC126806430 (BRD4-independent group 4 enhancer GRCh37_chr2:179593794-179594993; plus strand). Cytogenetic location: 2q31.2.
Variant type: single nucleotide variant.
Coding change: c.18802G>C on transcript NM_001267550.2 (MANE Select); coding-DNA position 18802, G replaced by C.
Protein change: p.Glu6268Gln; replaces glutamic acid 6268 with glutamine.
Molecular consequence: missense variant. On other transcripts: intron variant (3).
Genome position (GRCh38, 1-based): chr2:178,729,354, C>G on the plus strand (G>C on the coding strand, the complement: TTN is on the minus strand). VCF-style: chr2-178729354-C-G. GRCh37 (hg19) VCF-style: chr2-179594081-C-G.
Other names: p.E5951Q:GAA>CAA; c.17851G>C, p.Glu5951Gln (NM_001256850.1); c.15070G>C, p.Glu5024Gln (NM_133378.4); c.13282+8728G>C (NM_003319.4); c.13858+8728G>C (NM_133437.4); c.13657+8728G>C (NM_133432.3); short protein forms E5951Q, E6268Q, E5024Q.
Identifiers: ClinVar variation 203274 (VCV000203274.2), dbSNP rs794729616, ClinGen allele CA311886.

ClinVar aggregate classification (germline): Uncertain significance (1 of 4 stars; one submission).

Allele frequency attached by ClinVar (database versions not stated): TOPMed below 0.00001.

Submission:

GeneDx
Classification: Uncertain significance. Last evaluated: 2013-11-26. Review status: criteria provided, single submitter. Criteria: GeneDx Variant Classification (06012015). Collection method: clinical testing. Allele origin: germline. Affected: yes.
Comment: Missense variants in the TTN gene are considered 'unclassified' if they are not previously reported in the literature and do not have >1% frequency in the population to be considered a polymorphism. Research indicates that truncating mutations in the TTN gene are expected to account for approximately 25% of familial and 18% of sporadic idiopathic DCM; however, truncating variants in the TTN gene have been reported in approximately 3% of reported control alleles. There has been little investigation into non-truncating variants. (Herman D et al. Truncations of titin causing dilated cardiomyopathy. N Eng J Med 366:619-628, 2012) The variant is found in CARDIOMYOPATHY panel(s).